The following is an entry in ClinVar:

ClinVar aggregate classification (germline): Uncertain significance (1 of 4 stars; one submission).

Submissions (5):

GeneDx
Classification: Uncertain significance. Last evaluated: 2024-04-16. Review status: criteria provided, single submitter. Criteria: GeneDx Variant Classification Process June 2021. Collection method: clinical testing. Allele origin: germline. Affected: yes.
Comment: Not observed at significant frequency in large population cohorts (gnomAD); In silico analysis supports that this missense variant has a deleterious effect on protein structure/function; Has not been previously published as pathogenic or benign to our knowledge

Dr. Peter K. Rogan Lab, Western University
No classification provided (evidence only). Condition: Thyroid cancer, nonmedullary, 1. Review status: no classification provided. Collection method: in vitro. Allele origin: not applicable. Functional consequence: retained intron. Not counted in ClinVar's aggregate classification.

Dr. Peter K. Rogan Lab, Western University
No classification provided (evidence only). Condition: Thyroid cancer, nonmedullary, 1. Review status: no classification provided. Collection method: in vitro. Allele origin: not applicable. Functional consequence: retained intron. Not counted in ClinVar's aggregate classification.

Dr. Peter K. Rogan Lab, Western University
No classification provided (evidence only). Condition: Thyroid cancer, nonmedullary, 1. Review status: no classification provided. Collection method: in vitro. Allele origin: not applicable. Functional consequence: retained intron. Not counted in ClinVar's aggregate classification.

Dr. Peter K. Rogan Lab, Western University
No classification provided (evidence only). Condition: Nonpapillary renal cell carcinoma. Review status: no classification provided. Collection method: in vitro. Allele origin: not applicable. Functional consequence: retained intron. Not counted in ClinVar's aggregate classification.

NM_001110556.2(FLNA):c.623G>T (p.Gly208Val)

Gene: FLNA (filamin A; minus strand). Cytogenetic location: Xq28.
Variant type: single nucleotide variant.
Coding change: c.623G>T on transcript NM_001110556.2 (MANE Select); coding-DNA position 623, G replaced by T.
Protein change: p.Gly208Val; replaces glycine 208 with valine.
Molecular consequence: missense variant.
Genome position (GRCh38, 1-based): chrX:154,367,738, C>A on the plus strand (G>T on the coding strand, the complement: FLNA is on the minus strand). VCF-style: chrX-154367738-C-A. GRCh37 (hg19) VCF-style: chrX-153596106-C-A.
Other names: NC_000023.10:g.153596106C>A; c.623G>T, p.Gly208Val (NM_001456.4); short protein forms G208V.
Identifiers: ClinVar variation 3365222 (VCV003365222.2).